The following is an entry in ClinVar:

ClinVar aggregate classification (germline): Likely pathogenic (1 of 4 stars; one submission).

Conditions:
Hereditary cancer-predisposing syndrome. Also called: Neoplastic Syndromes, Hereditary; Tumor predisposition; Hereditary Cancer Syndrome; Hereditary neoplastic syndrome. Identifiers: Orphanet 140162, MedGen C0027672, MeSH D009386, MONDO:0015356.

Submission:

Ambry Genetics
Classification: Likely pathogenic for Hereditary cancer-predisposing syndrome. Last evaluated: 2019-09-19. Review status: criteria provided, single submitter. Criteria: Ambry Variant Classification Scheme 2023. Collection method: clinical testing. Allele origin: germline.
Comment: The c.1910-1_1914delGGTTTA variant results from a deletion of 6 nucleotides at positions c.1910-1 to c.1914, spanning the splice acceptor junction at the 5' end of coding exon 10 in the BRCA2 gene. Based on two different splice site prediction tools, this alteration is expected to abolish the native splice acceptor site; however experimental evidence is not currently available. Alterations that disrupt the canonical splice site are expected to cause aberrant splicing, resulting in an abnormal protein or a transcript that is subject to nonsense-mediated mRNA decay. As such, this alteration is classified as likely pathogenic.

NM_000059.4(BRCA2):c.1910-1_1914del

Gene: BRCA2 (BRCA2 DNA repair associated; plus strand). Cytogenetic location: 13q13.1.
Variant type: Deletion.
Coding change: c.1910-1_1914del on transcript NM_000059.4 (MANE Select); the canonical splice acceptor site of the intron before coding-DNA position 1910 through coding-DNA position 1914, 6 bases deleted (GGTTTA; older notation c.1910-1_1914delGGTTTA).
Molecular consequence: splice acceptor variant.
Genome position (GRCh38, 1-based): chr13:32,336,264-32,336,269, GGTTTA deleted; deleting any 6 consecutive bases within chr13:32,336,259-32,336,269 gives the same sequence; the c. name uses the placement nearest the transcript's 3' end. VCF-style (leftmost placement, unchanged base first): chr13-32336258-TGTTTAG-T. GRCh37 (hg19) VCF-style: chr13-32910395-TGTTTAG-T.
Identifiers: ClinVar variation 820322 (VCV000820322.4), dbSNP rs1593895760, ClinGen allele CA915946976.